The following is an entry in ClinVar:

ClinVar aggregate classification (germline): Uncertain significance. Review status: criteria provided, single submitter (1 of 4 stars). 2 submissions from 2 submitters: Uncertain significance (1). 1 of the submissions does not count toward it. Last evaluated 2022-02-10.

Conditions:
Athabaskan severe combined immunodeficiency (SCIDA). Also called: Severe combined immunodeficiency, athabascan-type. Identifiers: MedGen C1865370.
Severe combined immunodeficiency due to DCLRE1C deficiency (RS-SCID). Also called: SCID, AUTOSOMAL RECESSIVE, T CELL-NEGATIVE, B CELL-NEGATIVE, NK CELL-POSITIVE, WITH SENSITIVITY TO IONIZING RADIATION. Identifiers: Orphanet 275, MedGen C1865371, MONDO:0011225, OMIM 602450.

gnomAD v4.1: 1 of 1,614,074 alleles (0.000062%); no homozygotes.

Submissions (2):

Labcorp Genetics (formerly Invitae), Labcorp
Classification: Uncertain significance for Athabaskan severe combined immunodeficiency. Last evaluated: 2022-02-10. Review status: criteria provided, single submitter. Criteria: Invitae Variant Classification Sherloc (09022015). Collection method: clinical testing. Allele origin: germline.
Comment: This sequence change replaces glutamic acid, which is acidic and polar, with lysine, which is basic and polar, at codon 498 of the DCLRE1C protein (p.Glu498Lys). This variant is not present in population databases (gnomAD no frequency). This variant has not been reported in the literature in individuals affected with DCLRE1C-related conditions. ClinVar contains an entry for this variant (Variation ID: 845493). Algorithms developed to predict the effect of missense changes on protein structure and function (SIFT, PolyPhen-2, Align-GVGD) all suggest that this variant is likely to be tolerated. In summary, the available evidence is currently insufficient to determine the role of this variant in disease. Therefore, it has been classified as a Variant of Uncertain Significance.

Natera, Inc.
Classification: Uncertain significance for Athabascan severe combined immunodeficiency. Last evaluated: 2020-03-11. Review status: no assertion criteria provided. Collection method: clinical testing. Allele origin: germline. Not counted in ClinVar's aggregate classification.

NM_001033855.3(DCLRE1C):c.1492G>A (p.Glu498Lys)

Gene: DCLRE1C (DNA cross-link repair 1C; minus strand). Cytogenetic location: 10p13.
Variant type: single nucleotide variant.
Coding change: c.1492G>A on transcript NM_001033855.3 (MANE Select); coding-DNA position 1492, G replaced by A.
Protein change: p.Glu498Lys; replaces glutamic acid 498 with lysine.
Molecular consequence: missense variant. On other transcripts: non-coding transcript variant (4).
Genome position (GRCh38, 1-based): chr10:14,908,995, C>T on the plus strand (G>A on the coding strand, the complement: DCLRE1C is on the minus strand). VCF-style: chr10-14908995-C-T. GRCh37 (hg19) VCF-style: chr10-14950994-C-T.
Other names: c.1132G>A, p.Glu378Lys (NM_001033857.3, NM_001033858.3, NM_001289077.2 and 2 more transcripts); c.1147G>A, p.Glu383Lys (NM_001289076.2, NM_001289078.2, NM_001350966.2 and 1 more transcripts); c.1492G>A, p.Glu498Lys (NM_001350965.2); short protein forms E378K, E383K, E498K.
Identifiers: ClinVar variation 845493 (VCV000845493.4), dbSNP rs372597855, ClinGen allele CA203428920.